The following is an entry in ClinVar:

ClinVar aggregate classification (germline): Uncertain significance (1 of 4 stars; one submission).

Submission:

Labcorp Genetics (formerly Invitae), Labcorp
Classification: Uncertain significance. Last evaluated: 2022-05-19. Review status: criteria provided, single submitter. Criteria: Invitae Variant Classification Sherloc (09022015). Collection method: clinical testing. Allele origin: germline.
Comment: In summary, the available evidence is currently insufficient to determine the role of this variant in disease. Therefore, it has been classified as a Variant of Uncertain Significance. Algorithms developed to predict the effect of missense changes on protein structure and function are either unavailable or do not agree on the potential impact of this missense change (SIFT: "Deleterious"; PolyPhen-2: "Probably Damaging"; Align-GVGD: "Class C0"). This variant has not been reported in the literature in individuals affected with TOPORS-related conditions. This variant is not present in population databases (gnomAD no frequency). This sequence change replaces serine, which is neutral and polar, with cysteine, which is neutral and slightly polar, at codon 437 of the TOPORS protein (p.Ser437Cys).

NM_005802.5(TOPORS):c.1310C>G (p.Ser437Cys)

Gene: TOPORS (TOP1 binding arginine/serine rich protein, E3 ubiquitin ligase; minus strand). Cytogenetic location: 9p21.1.
Variant type: single nucleotide variant.
Coding change: c.1310C>G on transcript NM_005802.5 (MANE Select); coding-DNA position 1310, C replaced by G.
Protein change: p.Ser437Cys; replaces serine 437 with cysteine.
Molecular consequence: missense variant.
Genome position (GRCh38, 1-based): chr9:32,543,215, G>C on the plus strand (C>G on the coding strand, the complement: TOPORS is on the minus strand). VCF-style: chr9-32543215-G-C. GRCh37 (hg19) VCF-style: chr9-32543213-G-C.
Other names: c.1115C>G, p.Ser372Cys (NM_001195622.2); short protein forms S437C, S372C.
Identifiers: ClinVar variation 1996461 (VCV001996461.4), dbSNP rs2489451791, ClinGen allele CA373170294.